The following is an entry in ClinVar:

NM_000465.4(BARD1):c.2080C>T (p.Leu694Phe)

Gene: BARD1 (BRCA1 associated RING domain 1; minus strand). Cytogenetic location: 2q35.
Variant type: single nucleotide variant.
Coding change: c.2080C>T on transcript NM_000465.4 (MANE Select); coding-DNA position 2080, C replaced by T.
Protein change: p.Leu694Phe; replaces leucine 694 with phenylalanine.
Molecular consequence: missense variant. On other transcripts: non-coding transcript variant (3).
Genome position (GRCh38, 1-based): chr2:214,728,930, G>A on the plus strand (C>T on the coding strand, the complement: BARD1 is on the minus strand). VCF-style: chr2-214728930-G-A. GRCh37 (hg19) VCF-style: chr2-215593654-G-A.
Other names: c.2023C>T, p.Leu675Phe (NM_001282543.2); c.727C>T, p.Leu243Phe (NM_001282545.2); c.670C>T, p.Leu224Phe (NM_001282548.2); c.541C>T, p.Leu181Phe (NM_001282549.2); short protein forms L694F, L181F, L243F, L675F, L224F.
Identifiers: ClinVar variation 479170 (VCV000479170.9), dbSNP rs1553612199, ClinGen allele CA350450655.

ClinVar aggregate classification (germline): Uncertain significance. Review status: criteria provided, multiple submitters, no conflicts (2 of 4 stars). 3 submissions from 3 submitters: Uncertain significance (3). Last evaluated 2024-09-30.

Conditions:
Hereditary cancer-predisposing syndrome. Also called: Neoplastic Syndromes, Hereditary; Hereditary Cancer Syndrome; Hereditary neoplastic syndrome; Tumor predisposition. Identifiers: Orphanet 140162, MedGen C0027672, MeSH D009386, MONDO:0015356.
Familial cancer of breast. Also called: BREAST CANCER, FAMILIAL; hereditary breast carcinoma; Hereditary breast cancer. Identifiers: Orphanet 227535, MedGen C0346153, MONDO:0016419, OMIM 114480. Disease mechanism: loss of function.

Allele frequency attached by ClinVar (database versions not stated): gnomAD 0.00001.
gnomAD v4.1: 1 of 1,614,070 alleles (0.000062%); highest among the groups gnomAD compares: African/African-American, 0.0013%; no homozygotes.

Submissions (3):

Ambry Genetics
Classification: Uncertain significance for Hereditary cancer-predisposing syndrome. Last evaluated: 2024-09-30. Review status: criteria provided, single submitter. Criteria: Ambry Variant Classification Scheme 2023. Collection method: clinical testing. Allele origin: germline.
Comment: The p.L694F variant (also known as c.2080C>T), located in coding exon 11 of the BARD1 gene, results from a C to T substitution at nucleotide position 2080. The leucine at codon 694 is replaced by phenylalanine, an amino acid with highly similar properties. This amino acid position is highly conserved in available vertebrate species. In addition, the in silico prediction for this alteration is inconclusive. Since supporting evidence is limited at this time, the clinical significance of this alteration remains unclear.

Labcorp Genetics (formerly Invitae), Labcorp
Classification: Uncertain significance for Familial cancer of breast. Last evaluated: 2024-07-30. Review status: criteria provided, single submitter. Criteria: Invitae Variant Classification Sherloc (09022015). Collection method: clinical testing. Allele origin: germline.
Comment: This sequence change replaces leucine, which is neutral and non-polar, with phenylalanine, which is neutral and non-polar, at codon 694 of the BARD1 protein (p.Leu694Phe). This variant is not present in population databases (gnomAD no frequency). This variant has not been reported in the literature in individuals affected with BARD1-related conditions. ClinVar contains an entry for this variant (Variation ID: 479170). An algorithm developed to predict the effect of missense changes on protein structure and function (PolyPhen-2) suggests that this variant is likely to be disruptive. In summary, the available evidence is currently insufficient to determine the role of this variant in disease. Therefore, it has been classified as a Variant of Uncertain Significance.

Baylor Genetics
Classification: Uncertain significance for Familial cancer of breast. Last evaluated: 2023-08-18. Review status: criteria provided, single submitter. Criteria: ACMG Guidelines, 2015. Collection method: clinical testing. Allele origin: unknown.